The following is an entry in ClinVar:

NM_018706.7(DHTKD1):c.2396_2397del (p.Pro799fs)

Gene: DHTKD1 (dehydrogenase E1 and transketolase domain containing 1; plus strand). Cytogenetic location: 10p14.
Variant type: Deletion.
Coding change: c.2396_2397del on transcript NM_018706.7 (MANE Select); coding-DNA positions 2396 to 2397, 2 bases deleted (CA; older notation c.2396_2397delCA).
Protein change: p.Pro799fs; shifts the reading frame from proline 799.
Molecular consequence: frameshift variant.
Genome position (GRCh38, 1-based): chr10:12,117,749-12,117,750, CA deleted. VCF-style (leftmost placement, unchanged base first): chr10-12117748-CCA-C. GRCh37 (hg19) VCF-style: chr10-12159747-CCA-C.
Other names: c.2396_2397delCA (NM_018706.6); short protein forms P799fs.
Identifiers: ClinVar variation 1324228 (VCV001324228.5), dbSNP rs757583515, ClinGen allele CA5408240.

ClinVar aggregate classification (germline): Likely pathogenic. Review status: criteria provided, multiple submitters, no conflicts (2 of 4 stars). 2 submissions from 2 submitters: Likely pathogenic (2). Last evaluated 2023-05-30.

Conditions:
DHTKD1-related disorder. Also called: DHTKD1-related condition.

Allele frequency attached by ClinVar (database versions not stated): gnomAD 0.00001; gnomAD exomes 0.00001 and 0.00002; ExAC 0.00002.

Submissions (2):

PreventionGenetics, part of Exact Sciences
Classification: Likely pathogenic for DHTKD1-related condition. Last evaluated: 2023-05-30. Review status: criteria provided, single submitter. Criteria: ACMG Guidelines, 2015. Collection method: clinical testing. Allele origin: germline.
Comment: The DHTKD1 c.2396_2397delCA variant is predicted to result in a frameshift and premature protein termination (p.Pro799Glnfs*4). To our knowledge, this variant has not been reported in the literature. This variant is reported in 0.014% of alleles in individuals of South Asian descent in gnomAD. Frameshift variants in DHTKD1 are expected to be pathogenic. This variant is interpreted as likely pathogenic.

Revvity Omics, Revvity
Classification: Likely pathogenic. Last evaluated: 2020-03-25. Review status: criteria provided, single submitter. Criteria: ACMG Guidelines, 2015. Collection method: clinical testing. Allele origin: germline.